The following is an entry in ClinVar:

NM_012154.5(AGO2):c.2392T>C (p.Ser798Pro)

Gene: AGO2 (argonaute RISC catalytic component 2; minus strand). Cytogenetic location: 8q24.3.
Variant type: single nucleotide variant.
Coding change: c.2392T>C on transcript NM_012154.5 (MANE Select); coding-DNA position 2392, T replaced by C.
Protein change: p.Ser798Pro; replaces serine 798 with proline.
Molecular consequence: missense variant.
Genome position (GRCh38, 1-based): chr8:140,532,495, A>G on the plus strand (T>C on the coding strand, the complement: AGO2 is on the minus strand). VCF-style: chr8-140532495-A-G. GRCh37 (hg19) VCF-style: chr8-141542594-A-G.
Other names: c.2290T>C, p.Ser764Pro (NM_001164623.3); short protein forms S764P, S798P.
Identifiers: ClinVar variation 2633636 (VCV002633636.1), dbSNP rs2540672241, ClinGen allele CA372331082.

ClinVar aggregate classification (germline): Uncertain significance (1 of 4 stars; one submission).

Conditions:
AGO2-related disorder. Also called: AGO2-related condition.

Submission:

PreventionGenetics, part of Exact Sciences
Classification: Uncertain significance for AGO2-related condition. Last evaluated: 2023-04-19. Review status: criteria provided, single submitter. Criteria: ACMG Guidelines, 2015. Collection method: clinical testing. Allele origin: germline.
Comment: The AGO2 c.2392T>C variant is predicted to result in the amino acid substitution p.Ser798Pro. To our knowledge, this variant has not been reported in the literature or in a large population database, indicating this variant is rare. Although we suspect that this variant may be pathogenic, at this time, the clinical significance of this variant is uncertain due to the absence of conclusive functional and genetic evidence.